The following is an entry in ClinVar:

ClinVar aggregate classification (germline): Uncertain significance (1 of 4 stars; one submission).

Conditions:
Neuropathy, hereditary sensory, type 2C. Also called: KIF1A-Related HSAN2 (HSAN2C); Hereditary sensory and autonomic neuropathy type IIC. Identifiers: Orphanet 970, MedGen C3280168, MONDO:0013634, OMIM 614213.
Hereditary spastic paraplegia 30. Identifiers: Orphanet 101010, MedGen C5235139, MONDO:0012476.
Intellectual disability, autosomal dominant 9 (NESCAVS). Also called: NESCAV SYNDROME; KIF1A-Related Neurodevelopmental Disorder. Identifiers: Orphanet 662367, MedGen C5393830, MONDO:0013656, OMIM 614255.

Allele frequency attached by ClinVar (database versions not stated): gnomAD exomes below 0.00001.
gnomAD v4.1: 1 of 1,589,548 alleles (0.000063%); highest among the groups gnomAD compares: East Asian, 0.0023%; no homozygotes.

Submission:

Labcorp Genetics (formerly Invitae), Labcorp
Classification: Uncertain significance for Hereditary spastic paraplegia 30; Neuropathy, hereditary sensory, type 2C; Intellectual disability, autosomal dominant 9. Last evaluated: 2022-12-17. Review status: criteria provided, single submitter. Criteria: Invitae Variant Classification Sherloc (09022015). Collection method: clinical testing. Allele origin: germline.
Comment: In summary, the available evidence is currently insufficient to determine the role of this variant in disease. Therefore, it has been classified as a Variant of Uncertain Significance. Advanced modeling of protein sequence and biophysical properties (such as structural, functional, and spatial information, amino acid conservation, physicochemical variation, residue mobility, and thermodynamic stability) performed at Invitae indicates that this missense variant is not expected to disrupt KIF1A protein function. This variant has not been reported in the literature in individuals affected with KIF1A-related conditions. This variant is not present in population databases (gnomAD no frequency). This sequence change replaces proline, which is neutral and non-polar, with serine, which is neutral and polar, at codon 1124 of the KIF1A protein (p.Pro1124Ser).

NM_001244008.2(KIF1A):c.3673C>T (p.Pro1225Ser)

Gene: KIF1A (kinesin family member 1A; minus strand). Cytogenetic location: 2q37.3.
Variant type: single nucleotide variant.
Coding change: c.3673C>T on transcript NM_001244008.2 (MANE Select); coding-DNA position 3673, C replaced by T.
Protein change: p.Pro1225Ser; replaces proline 1225 with serine.
Molecular consequence: missense variant.
Genome position (GRCh38, 1-based): chr2:240,741,345, G>A on the plus strand (C>T on the coding strand, the complement: KIF1A is on the minus strand). VCF-style: chr2-240741345-G-A. GRCh37 (hg19) VCF-style: chr2-241680762-G-A.
Other names: c.3397C>T, p.Pro1133Ser (NM_001320705.2, NM_001330289.2, NM_001379638.1); c.3472C>T, p.Pro1158Ser (NM_001330290.2, NM_001379634.1, NM_001379635.1 and 1 more transcripts); c.3748C>T, p.Pro1250Ser (NM_001379631.1); c.3622C>T, p.Pro1208Ser (NM_001379632.1); c.3646C>T, p.Pro1216Ser (NM_001379633.1, NM_001379642.1, NM_001379645.1); c.3370C>T, p.Pro1124Ser (NM_001379636.1, NM_001379639.1, NM_001379641.1 and 6 more transcripts); c.3445C>T, p.Pro1149Ser (NM_001379637.1, NM_001379648.1); c.3367C>T, p.Pro1123Ser (NM_001379640.1); short protein forms P1123S, P1149S, P1208S, P1225S, P1124S, P1133S, P1158S, P1250S.
Identifiers: ClinVar variation 2942433 (VCV002942433.3), dbSNP rs1357781315, ClinGen allele CA351315576.